The following is an entry in ClinVar:

NM_001110556.2(FLNA):c.720+9G>A

Gene: FLNA (filamin A; minus strand). Cytogenetic location: Xq28.
Variant type: single nucleotide variant.
Coding change: c.720+9G>A on transcript NM_001110556.2 (MANE Select); 9 bases into the intron after coding-DNA position 720, G replaced by A.
Molecular consequence: intron variant.
Genome position (GRCh38, 1-based): chrX:154,367,632, C>T on the plus strand (G>A on the coding strand, the complement: FLNA is on the minus strand). VCF-style: chrX-154367632-C-T. GRCh37 (hg19) VCF-style: chrX-153596000-C-T.
Other names: c.720+9G>A (NM_001456.4).
Identifiers: ClinVar variation 514481 (VCV000514481.11), dbSNP rs781887001, ClinGen allele CA10561377.

ClinVar aggregate classification (germline): Benign/Likely benign. Review status: criteria provided, multiple submitters, no conflicts (2 of 4 stars). 3 submissions from 3 submitters: Benign (1); Likely benign (2). Last evaluated 2026-01-12.

Conditions:
Heterotopia, periventricular, X-linked dominant (PVNH1). Also called: PERIVENTRICULAR NODULAR HETEROTOPIA 1; X-linked periventricular heterotopia; PERIVENTRICULAR NODULAR HETEROTOPIA 4; HETEROTOPIA, PERIVENTRICULAR, 1. Identifiers: Orphanet 2149, Orphanet 82004, MedGen C1848213, MONDO:0010233, OMIM 300049.
Melnick-Needles syndrome (MNS). Also called: OSTEODYSPLASTY OF MELNICK AND NEEDLES; Melnick-Needles Syndrome (FLNA-MNS); MELNICK-NEEDLES OSTEODYSPLASTY. Identifiers: Orphanet 2484, MedGen C0025237, MONDO:0010650, OMIM 309350.
Oto-palato-digital syndrome, type II (OPD2). Also called: OPD II SYNDROME; Otopalatodigital Syndrome, Type II; FACIOPALATOOSSEOUS SYNDROME; Otopalatodigital Syndrome Type 2 (FLNA-OPD2). Identifiers: Orphanet 669, Orphanet 90652, MedGen C1844696, MONDO:0010571, OMIM 304120.
Frontometaphyseal dysplasia (FMD1). Identifiers: Orphanet 1826, MedGen C0265293, MONDO:0015942.

Allele frequency attached by ClinVar (database versions not stated): TOPMed 0.00003; gnomAD 0.00004.
gnomAD v4.1: 43 of 1,209,607 alleles (0.0036%); highest among the groups gnomAD compares: African/African-American, 0.0087%; no homozygotes.

Submissions (3):

Labcorp Genetics (formerly Invitae), Labcorp
Classification: Benign for Oto-palato-digital syndrome, type II; Heterotopia, periventricular, X-linked dominant; Frontometaphyseal dysplasia; Melnick-Needles syndrome. Last evaluated: 2026-01-12. Review status: criteria provided, single submitter. Criteria: Invitae Variant Classification Sherloc (09022015). Collection method: clinical testing. Allele origin: germline.

Blueprint Genetics
Classification: Likely benign. Last evaluated: 2022-01-28. Review status: criteria provided, single submitter. Criteria: ACMG Guidelines, 2015. Collection method: clinical testing. Allele origin: germline.

GeneDx
Classification: Likely benign. Last evaluated: 2018-01-04. Review status: criteria provided, single submitter. Criteria: GeneDx Variant Classification (06012015). Collection method: clinical testing. Allele origin: germline. Affected: yes.
Comment: This variant is considered likely benign or benign based on one or more of the following criteria: it is a conservative change, it occurs at a poorly conserved position in the protein, it is predicted to be benign by multiple in silico algorithms, and/or has population frequency not consistent with disease.